The following is an entry in ClinVar:

NM_001042492.3(NF1):c.3472G>T (p.Asp1158Tyr)

Gene: NF1 (neurofibromin 1; plus strand). Cytogenetic location: 17q11.2.
Variant type: single nucleotide variant.
Coding change: c.3472G>T on transcript NM_001042492.3 (MANE Select); coding-DNA position 3472, G replaced by T.
Protein change: p.Asp1158Tyr; replaces aspartic acid 1158 with tyrosine.
Molecular consequence: missense variant.
Genome position (GRCh38, 1-based): chr17:31,232,857, G>T. VCF-style: chr17-31232857-G-T. GRCh37 (hg19) VCF-style: chr17-29559875-G-T.
Other names: c.3472G>T, p.Asp1158Tyr (NM_000267.4); short protein forms D1158Y.
Identifiers: ClinVar variation 3237732 (VCV003237732.1), dbSNP rs2151434821.

ClinVar aggregate classification (germline): Uncertain significance (1 of 4 stars; one submission).

Conditions:
Hereditary cancer-predisposing syndrome. Also called: Neoplastic Syndromes, Hereditary; Tumor predisposition; Hereditary neoplastic syndrome; Hereditary Cancer Syndrome. Identifiers: Orphanet 140162, MedGen C0027672, MeSH D009386, MONDO:0015356.
Cardiovascular phenotype. Identifiers: MedGen CN230736.

Submission:

Ambry Genetics
Classification: Uncertain significance for Cardiovascular phenotype; Hereditary cancer-predisposing syndrome. Last evaluated: 2023-01-12. Review status: criteria provided, single submitter. Criteria: Ambry Variant Classification Scheme 2023. Collection method: clinical testing. Allele origin: germline.
Comment: The p.D1158Y variant (also known as c.3472G>T), located in coding exon 26 of the NF1 gene, results from a G to T substitution at nucleotide position 3472. The aspartic acid at codon 1158 is replaced by tyrosine, an amino acid with highly dissimilar properties. This amino acid position is conserved. In addition, the in silico prediction for this alteration is inconclusive. Since supporting evidence is limited at this time, the clinical significance of this alteration remains unclear.